The following is an entry in ClinVar:

NM_194248.3(OTOF):c.5570G>A (p.Gly1857Asp)

Gene: OTOF (otoferlin; minus strand). Cytogenetic location: 2p23.3.
Variant type: single nucleotide variant.
Coding change: c.5570G>A on transcript NM_194248.3 (MANE Select); coding-DNA position 5570, G replaced by A.
Protein change: p.Gly1857Asp; replaces glycine 1857 with aspartic acid.
Molecular consequence: missense variant.
Genome position (GRCh38, 1-based): chr2:26,460,994, C>T on the plus strand (G>A on the coding strand, the complement: OTOF is on the minus strand). VCF-style: chr2-26460994-C-T. GRCh37 (hg19) VCF-style: chr2-26683862-C-T.
Other names: c.5570G>A, p.Gly1857Asp (NM_001287489.2); c.3269G>A, p.Gly1090Asp (NM_004802.4, NM_194323.3); c.3500G>A, p.Gly1167Asp (NM_194322.3); c.5570G>A (NM_194248.2); short protein forms G1090D, G1167D, G1857D.
Identifiers: ClinVar variation 1185621 (VCV001185621.2), dbSNP rs2148018483, ClinGen allele CA346130619.

ClinVar aggregate classification (germline): Uncertain significance. Review status: criteria provided, single submitter (1 of 4 stars). 2 submissions from 2 submitters: Uncertain significance (1). 1 of the submissions does not count toward it. Last evaluated 2023-06-30.

Conditions:
Autosomal recessive nonsyndromic hearing loss 9. Also called: Deafness, autosomal recessive 9; OTOF-Related Hearing Loss; AUDITORY NEUROPATHY, AUTOSOMAL RECESSIVE, 1, TEMPERATURE-SENSITIVE; NEUROSENSORY NONSYNDROMIC RECESSIVE DEAFNESS 9. Identifiers: Orphanet 90636, MedGen C1832828, MONDO:0010986, OMIM 601071.

Submissions (2):

Women's Health and Genetics/Laboratory Corporation of America, LabCorp
Classification: Uncertain significance. Last evaluated: 2023-06-30. Review status: criteria provided, single submitter. Criteria: LabCorp Variant Classification Summary - May 2015. Collection method: clinical testing. Allele origin: germline.
Comment: Variant summary: OTOF c.5570G>A (p.Gly1857Asp) results in a non-conservative amino acid change located in the C2 domain (IPR000008) of the encoded protein sequence. Five of five in-silico tools predict a damaging effect of the variant on protein function. The variant was absent in 250962 control chromosomes (gnomAD v2.1, Exomes dataset). The available data on variant occurrences in the general population are insufficient to allow any conclusion about variant significance. c.5570G>A has been reported in the literature in at least one compound heterozygous individual affected with profound hearing loss (e.g., Wu_2022). These data do not allow any conclusion about variant significance. To our knowledge, no experimental evidence demonstrating an impact on protein function has been reported. The following publication was ascertained in the context of this evaluation (PMID: 35982127). No submitters have cited clinical-significance assessments for this variant to ClinVar after 2014. Based on the evidence outlined above, the variant was classified as uncertain significance.

Deafness Molecular Diagnostic Center, Chinese PLA General Hospital
Classification: Likely pathogenic for Autosomal recessive nonsyndromic hearing loss 9. Review status: no assertion criteria provided. Criteria: ACMG Guidelines, 2015. Collection method: case-control. Allele origin: maternal. Affected: yes. Not counted in ClinVar's aggregate classification.

Literature cited by the submitters: PubMed 35982127 (cited by Women's Health and Genetics/Laboratory Corporation of America, LabCorp).